The following is an entry in ClinVar:

NM_001613.4(ACTA2):c.1005G>A (p.Pro335=)

Genes: ACTA2-AS1 (ACTA2 antisense RNA 1; plus strand), ACTA2 (actin alpha 2, smooth muscle; minus strand). Cytogenetic location: 10q23.31.
Variant type: single nucleotide variant.
Coding change: c.1005G>A on transcript NM_001613.4 (MANE Select); coding-DNA position 1005, G replaced by A.
Protein change: p.Pro335=; no amino-acid change (proline 335 retained).
Molecular consequence: synonymous variant. On other transcripts: non-coding transcript variant (1).
Genome position (GRCh38, 1-based): chr10:88,935,352, C>T on the plus strand (G>A on the coding strand, the complement: ACTA2 is on the minus strand). VCF-style: chr10-88935352-C-T. GRCh37 (hg19) VCF-style: chr10-90695109-C-T.
Other names: c.1005G>A, p.Pro335= (NM_001141945.3, NM_001320855.2, NM_001406462.1 and 2 more transcripts); c.894G>A, p.Pro298= (NM_001406466.1); c.876G>A, p.Pro292= (NM_001406467.1, NM_001406468.1, NM_001406469.1); c.813G>A, p.Pro271= (NM_001406471.1).
Identifiers: ClinVar variation 1313236 (VCV001313236.5), dbSNP rs775742052, ClinGen allele CA026673.

ClinVar aggregate classification (germline): Uncertain significance. Review status: criteria provided, multiple submitters, no conflicts (2 of 4 stars). 2 submissions from 2 submitters: Uncertain significance (2). Last evaluated 2024-04-16.

Conditions:
Familial thoracic aortic aneurysm and aortic dissection (TAAD). Also called: Thoracic aortic aneurysms and dissections. Identifiers: Orphanet 91387, MedGen C4707243, MONDO:0019625.

Allele frequency attached by ClinVar (database versions not stated): gnomAD exomes below 0.00001 and 0.00001; ExAC 0.00001.
gnomAD v4.1: 5 of 1,613,758 alleles (0.00031%); highest among the groups gnomAD compares: Admixed American, 0.0033%; no homozygotes.

Submissions (2):

All of Us Research Program, National Institutes of Health
Classification: Uncertain significance for Familial thoracic aortic aneurysm and aortic dissection. Last evaluated: 2024-04-16. Review status: criteria provided, single submitter. Criteria: ACMG Guidelines, 2015. Collection method: clinical testing. Allele origin: germline. Inheritance: Autosomal dominant inheritance. Observed: 1 variant allele, 1 heterozygote.
Comment: This synonymous variant causes a g.C>T nucleotide change in exon 9 of the ACTA2 gene. Splice site prediction tools indicate that this variant may activate a cryptic splice donor site downstream of the native intron 8 splice acceptor site. To our knowledge, functional studies have not been reported for this variant. This variant has not been reported in individuals affected with cardiovascular disorders in the literature. This variant has been identified in 2/251142 chromosomes in the general population by the Genome Aggregation Database (gnomAD). The available evidence is insufficient to determine the role of this variant in disease conclusively. Therefore, this variant is classified as a Variant of Uncertain Significance.

This study involves interpretation of variants in research participants for the purpose of population health screening. Participant phenotype was not available at the time of variant classification. Additional details can be found in publication PMID: 35346344, PMCID: PMC8962531

GeneDx
Classification: Uncertain significance. Last evaluated: 2020-01-22. Review status: criteria provided, single submitter. Criteria: GeneDx Variant Classification Process June 2021. Collection method: clinical testing. Allele origin: germline. Affected: yes.
Comment: Has not been previously published as pathogenic or benign to our knowledge; Not observed at a significant frequency in large population cohorts (Lek et al., 2016); In-silico analysis, which includes splice predictors and evolutionary conservation, is inconclusive as to whether the variant alters gene splicing; in the absence of RNA/functional studies, the actual effect of this sequence change is unknown